The following is an entry in ClinVar:

ClinVar aggregate classification (germline): Uncertain significance (1 of 4 stars; one submission).

Submission:

Labcorp Genetics (formerly Invitae), Labcorp
Classification: Uncertain significance. Last evaluated: 2023-08-27. Review status: criteria provided, single submitter. Criteria: Invitae Variant Classification Sherloc (09022015). Collection method: clinical testing. Allele origin: germline.
Comment: In summary, the available evidence is currently insufficient to determine the role of this variant in disease. Therefore, it has been classified as a Variant of Uncertain Significance. Algorithms developed to predict the effect of missense changes on protein structure and function output the following: SIFT: "Not Available"; PolyPhen-2: "Benign"; Align-GVGD: "Not Available". The valine amino acid residue is found in multiple mammalian species, which suggests that this missense change does not adversely affect protein function. ClinVar contains an entry for this variant (Variation ID: 948010). This variant has not been reported in the literature in individuals affected with NEXMIF-related conditions. This variant is not present in population databases (gnomAD no frequency). This sequence change replaces methionine, which is neutral and non-polar, with valine, which is neutral and non-polar, at codon 1271 of the NEXMIF protein (p.Met1271Val).

NM_001008537.3(NEXMIF):c.3811A>G (p.Met1271Val)

Gene: NEXMIF (neurite extension and migration factor; minus strand). Cytogenetic location: Xq13.3.
Variant type: single nucleotide variant.
Coding change: c.3811A>G on transcript NM_001008537.3 (MANE Select); coding-DNA position 3811, A replaced by G.
Protein change: p.Met1271Val; replaces methionine 1271 with valine.
Molecular consequence: missense variant.
Genome position (GRCh38, 1-based): chrX:74,740,746, T>C on the plus strand (A>G on the coding strand, the complement: NEXMIF is on the minus strand). VCF-style: chrX-74740746-T-C. GRCh37 (hg19) VCF-style: chrX-73960581-T-C.
Other names: short protein forms M1271V.
Identifiers: ClinVar variation 948010 (VCV000948010.9), dbSNP rs2080099681, ClinGen allele CA413664700.